The following is an entry in ClinVar:

NM_000535.7(PMS2):c.1771T>A (p.Cys591Ser)

Gene: PMS2 (PMS1 homolog 2, mismatch repair system component; minus strand). Cytogenetic location: 7p22.1.
Variant type: single nucleotide variant.
Coding change: c.1771T>A on transcript NM_000535.7 (MANE Select); coding-DNA position 1771, T replaced by A.
Protein change: p.Cys591Ser; replaces cysteine 591 with serine.
Molecular consequence: missense variant. On other transcripts: non-coding transcript variant (1), intron variant (1).
Genome position (GRCh38, 1-based): chr7:5,986,994, A>T on the plus strand (T>A on the coding strand, the complement: PMS2 is on the minus strand). VCF-style: chr7-5986994-A-T. GRCh37 (hg19) VCF-style: chr7-6026625-A-T.
Other names: c.1366T>A, p.Cys456Ser (NM_001322003.2, NM_001322004.2, NM_001322005.2 and 16 more transcripts); c.1615T>A, p.Cys539Ser (NM_001322006.2, NM_001406870.1); c.1453T>A, p.Cys485Ser (NM_001322007.2, NM_001322008.2, NM_001406876.1 and 2 more transcripts); c.1210T>A, p.Cys404Ser (NM_001322010.2, NM_001406906.1, NM_001406907.1); c.838T>A, p.Cys280Ser (NM_001322011.2, NM_001322012.2); c.1198T>A, p.Cys400Ser (NM_001322013.2, NM_001406909.1); c.1771T>A, p.Cys591Ser (NM_001322014.2, NM_001406871.1, NM_001406872.1); c.1462T>A, p.Cys488Ser (NM_001322015.2, NM_001406875.1, NM_001406877.1 and 5 more transcripts); and 13 more; short protein forms C433S, C479S, C488S, C539S, C599S, C436S, C469S, C525S.
Identifiers: ClinVar variation 4741979 (VCV004741979.1).
Genomic context (GRCh38, chr7:5,986,994, plus strand): 5'-TTTTCACAGCTACATCAACCTGAGAGGCTGACATGTCCTGAGTATTTACTAACTTTTGAC[A>T]AATGTCAGAACTGGAAAGAATTTCTTCTTTTTTAAAACGCTTTGTGTTTGGGGTTGCGAG-3'
Protein context (NP_000526.2, residues 581-601): KEEILSSSDI[Cys591Ser]QKLVNTQDMS

ClinVar aggregate classification (germline): Uncertain significance (1 of 4 stars; one submission).

Conditions:
Hereditary nonpolyposis colorectal neoplasms. Identifiers: MedGen C0009405, MeSH D003123.

Submission:

Labcorp Genetics (formerly Invitae), Labcorp
Classification: Uncertain significance for Hereditary nonpolyposis colorectal neoplasms. Last evaluated: 2025-11-17. Review status: criteria provided, single submitter. Criteria: Invitae Variant Classification Sherloc (09022015). Collection method: clinical testing. Allele origin: germline.
Comment: This sequence change replaces cysteine, which is neutral and slightly polar, with serine, which is neutral and polar, at codon 591 of the PMS2 protein (p.Cys591Ser). This variant is not present in population databases (gnomAD no frequency). This variant has not been reported in the literature in individuals affected with PMS2-related conditions. Invitae Evidence Modeling of protein sequence and biophysical properties (such as structural, functional, and spatial information, amino acid conservation, physicochemical variation, residue mobility, and thermodynamic stability) indicates that this missense variant is not expected to disrupt PMS2 protein function with a negative predictive value of 80%. In summary, the available evidence is currently insufficient to determine the role of this variant in disease. Therefore, it has been classified as a Variant of Uncertain Significance.